The following is an entry in ClinVar:

NM_003906.5(MCM3AP):c.4391T>C (p.Met1464Thr)

Genes: MCM3AP (minichromosome maintenance complex component 3 associated protein; minus strand), MCM3AP-AS1 (MCM3AP antisense RNA 1; plus strand). Cytogenetic location: 21q22.3.
Variant type: single nucleotide variant.
Coding change: c.4391T>C on transcript NM_003906.5 (MANE Select); coding-DNA position 4391, T replaced by C.
Protein change: p.Met1464Thr; replaces methionine 1464 with threonine.
Molecular consequence: missense variant.
Genome position (GRCh38, 1-based): chr21:46,246,786, A>G on the plus strand (T>C on the coding strand, the complement: MCM3AP is on the minus strand). VCF-style: chr21-46246786-A-G. GRCh37 (hg19) VCF-style: chr21-47666700-A-G.
Other names: c.4391T>C (NM_003906.3); short protein forms M1464T.
Identifiers: ClinVar variation 1421175 (VCV001421175.5), dbSNP rs139429134, ClinGen allele CA10076133.

ClinVar aggregate classification (germline): Uncertain significance. Review status: criteria provided, multiple submitters, no conflicts (2 of 4 stars). 3 submissions from 3 submitters: Uncertain significance (3). Last evaluated 2023-04-24.

Conditions:
Inborn genetic diseases. Identifiers: MedGen C0950123, MeSH D030342.

Allele frequency attached by ClinVar (database versions not stated): gnomAD exomes 0.00014 and 0.00018; ExAC 0.00015; gnomAD 0.00017 and 0.00031; TOPMed 0.00029; ESP Exome Variant Server 0.00031.

Submissions (3):

Ambry Genetics
Classification: Uncertain significance for Inborn genetic diseases. Last evaluated: 2023-04-24. Review status: criteria provided, single submitter. Criteria: Ambry Variant Classification Scheme 2023. Collection method: clinical testing. Allele origin: germline.

Labcorp Genetics (formerly Invitae), Labcorp
Classification: Uncertain significance. Last evaluated: 2022-10-09. Review status: criteria provided, single submitter. Criteria: Invitae Variant Classification Sherloc (09022015). Collection method: clinical testing. Allele origin: germline.
Comment: This sequence change replaces methionine, which is neutral and non-polar, with threonine, which is neutral and polar, at codon 1464 of the MCM3AP protein (p.Met1464Thr). This variant is present in population databases (rs139429134, gnomAD 0.03%). This variant has not been reported in the literature in individuals affected with MCM3AP-related conditions. ClinVar contains an entry for this variant (Variation ID: 1421175). Algorithms developed to predict the effect of missense changes on protein structure and function output the following: SIFT: "Tolerated"; PolyPhen-2: "Benign"; Align-GVGD: "Class C0". The threonine amino acid residue is found in multiple mammalian species, which suggests that this missense change does not adversely affect protein function. In summary, the available evidence is currently insufficient to determine the role of this variant in disease. Therefore, it has been classified as a Variant of Uncertain Significance.

Breakthrough Genomics
Classification: Uncertain significance. Review status: criteria provided, single submitter. Criteria: ACMG Guidelines, 2015. Collection method: not provided. Allele origin: germline. Inheritance: Autosomal dominant inheritance. Affected: yes.